The following is an entry in ClinVar:

ClinVar aggregate classification (germline): Likely pathogenic (1 of 4 stars; one submission).

Conditions:
MKS1-related disorder. Also called: MKS1-related disorders; MKS1-related condition. Identifiers: MedGen CN239382.

Submission:

PreventionGenetics, part of Exact Sciences
Classification: Likely pathogenic for MKS1-related condition. Last evaluated: 2025-12-23. Review status: criteria provided, single submitter. Criteria: ACMG Guidelines, 2015. Collection method: clinical testing. Allele origin: germline.
Comment: The MKS1 c.644+2T>C variant is predicted to disrupt the GT donor site and interfere with normal splicing. To our knowledge, this variant has not been reported in the literature or in a large population database (gnomAD), indicating this variant is rare. Variants that disrupt the consensus splice donor site in MKS1 are expected to be pathogenic. This variant is interpreted as likely pathogenic.

NM_017777.4(MKS1):c.644+2T>C

Gene: MKS1 (MKS transition zone complex subunit 1; minus strand). Cytogenetic location: 17q22.
Variant type: single nucleotide variant.
Coding change: c.644+2T>C on transcript NM_017777.4 (MANE Select); the canonical splice donor site of the intron after coding-DNA position 644, T replaced by C.
Molecular consequence: splice donor variant.
Genome position (GRCh38, 1-based): chr17:58,214,257, A>G on the plus strand (T>C on the coding strand, the complement: MKS1 is on the minus strand). VCF-style: chr17-58214257-A-G. GRCh37 (hg19) VCF-style: chr17-56291618-A-G.
Other names: c.35+2T>C (NM_001321268.2); c.644+2T>C (NM_001330397.2, NM_001321269.2, NM_001411113.1).
Identifiers: ClinVar variation 4983852 (VCV004983852.1).